The following is an entry in ClinVar:

NM_201384.3(PLEC):c.4333C>G (p.Arg1445Gly)

Gene: PLEC (plectin; minus strand). Cytogenetic location: 8q24.3.
Variant type: single nucleotide variant.
Coding change: c.4333C>G on transcript NM_201384.3 (MANE Select); coding-DNA position 4333, C replaced by G.
Protein change: p.Arg1445Gly; replaces arginine 1445 with glycine.
Molecular consequence: missense variant.
Genome position (GRCh38, 1-based): chr8:143,925,596, G>C on the plus strand (C>G on the coding strand, the complement: PLEC is on the minus strand). VCF-style: chr8-143925596-G-C. GRCh37 (hg19) VCF-style: chr8-144999764-G-C.
Other names: c.4414C>G, p.Arg1472Gly (NM_000445.5); c.4291C>G, p.Arg1431Gly (NM_201378.4); c.4267C>G, p.Arg1423Gly (NM_201379.3); c.4744C>G, p.Arg1582Gly (NM_201380.4); c.4237C>G, p.Arg1413Gly (NM_201381.3); c.4333C>G, p.Arg1445Gly (NM_201382.4); c.4345C>G, p.Arg1449Gly (NM_201383.3); short protein forms R1413G, R1431G, R1449G, R1472G, R1582G, R1423G, R1445G.
Identifiers: ClinVar variation 538949 (VCV000538949.6), dbSNP rs782018221, ClinGen allele CA4926701.
Genomic context (GRCh38, chr8:143,925,596, plus strand): 5'-CGGTGGCCTCCAACTGCAGGCGCACCACGCGGATCTCCTCCTCGATGCGCAGCCGGCTGC[G>C]CTCAGCCGCCTCTGCCTGCCGGGCCTTGGCCTGGATCTCCGCCTCCGAGCTCTGCCGCAG-3'
Protein context (NP_958786.1, residues 1435-1455): AKARQAEAAE[Arg1445Gly]SRLRIEEEIR

ClinVar aggregate classification (germline): Uncertain significance (1 of 4 stars; one submission).

Conditions:
Epidermolysis bullosa simplex with nail dystrophy (EBS5D). Identifiers: MedGen C4225309, MONDO:0014661, OMIM 616487.
Epidermolysis bullosa simplex 5B, with muscular dystrophy (EBS5B). Also called: EPIDERMOLYSIS BULLOSA SIMPLEX AND LIMB-GIRDLE MUSCULAR DYSTROPHY; Epidermolysis bullosa simplex with muscular dystrophy. Identifiers: Orphanet 257, MedGen C2931072, MONDO:0009181, OMIM 226670.
Epidermolysis bullosa simplex, Ogna type (EBS5A). Also called: Pidermolysis bullosa simplex 5A, Ogna type; EPIDERMOLYSIS BULLOSA SIMPLEX 5A, OGNA TYPE. Identifiers: Orphanet 79401, MedGen C0432317, MONDO:0007555, OMIM 131950.
Autosomal recessive limb-girdle muscular dystrophy type 2Q (LGMDR17). Also called: MUSCULAR DYSTROPHY, LIMB-GIRDLE, AUTOSOMAL RECESSIVE 17. Identifiers: Orphanet 254361, MedGen C3150989, MONDO:0013390, OMIM 613723.
Epidermolysis bullosa simplex 5C, with pyloric atresia (EBS5C). Also called: PLEC-Related Epidermolysis Bullosa with Pyloric Atresia; Epidermolysis bullosa simplex with pyloric atresia; PLEC1-Related Epidermolysis Bullosa with Pyloric Atresia. Identifiers: Orphanet 158684, MedGen C2677349, MONDO:0012807, OMIM 612138.

gnomAD v4.1: 1 of 1,571,112 alleles (0.000064%); highest among the groups gnomAD compares: Non-Finnish European, 0.000086%; no homozygotes.

Submission:

Labcorp Genetics (formerly Invitae), Labcorp
Classification: Uncertain significance for Autosomal recessive limb-girdle muscular dystrophy type 2Q; Epidermolysis bullosa simplex, Ogna type; Epidermolysis bullosa simplex with nail dystrophy; Epidermolysis bullosa simplex 5C, with pyloric atresia; Epidermolysis bullosa simplex 5B, with muscular dystrophy. Last evaluated: 2021-05-17. Review status: criteria provided, single submitter. Criteria: Invitae Variant Classification Sherloc (09022015). Collection method: clinical testing. Allele origin: germline.
Comment: This variant has not been reported in the literature in individuals with PLEC-related disease. This variant is present in population databases (rs782018221, ExAC 0.004%). This sequence change replaces arginine with glycine at codon 1472 of the PLEC protein (p.Arg1472Gly). The arginine residue is moderately conserved and there is a moderate physicochemical difference between arginine and glycine. Algorithms developed to predict the effect of missense changes on protein structure and function do not agree on the potential impact of this missense change (SIFT: "Tolerated"; PolyPhen-2: "Benign"; Align-GVGD: "Class C15"). In summary, the available evidence is currently insufficient to determine the role of this variant in disease. Therefore, it has been classified as a Variant of Uncertain Significance.